The following is an entry in ClinVar:

NM_000095.3(COMP):c.2151G>T (p.Met717Ile)

Gene: COMP (cartilage oligomeric matrix protein; minus strand). Cytogenetic location: 19p13.11.
Variant type: single nucleotide variant.
Coding change: c.2151G>T on transcript NM_000095.3 (MANE Select); coding-DNA position 2151, G replaced by T.
Protein change: p.Met717Ile; replaces methionine 717 with isoleucine.
Molecular consequence: missense variant.
Genome position (GRCh38, 1-based): chr19:18,783,130, C>A on the plus strand (G>T on the coding strand, the complement: COMP is on the minus strand). VCF-style: chr19-18783130-C-A. GRCh37 (hg19) VCF-style: chr19-18893940-C-A.
Other names: short protein forms M717I.
Identifiers: ClinVar variation 3355070 (VCV003355070.2).

ClinVar aggregate classification (germline): Uncertain significance (1 of 4 stars; one submission).

Conditions:
COMP-related disorder. Also called: COMP-related condition; COMP-related disorders.

Submission:

PreventionGenetics, part of Exact Sciences
Classification: Uncertain significance for COMP-related condition. Last evaluated: 2026-07-27. Review status: criteria provided, single submitter. Criteria: ACMG Guidelines, 2015. Collection method: clinical testing. Allele origin: germline.
Comment: The COMP c.2151G>T variant is predicted to result in the amino acid substitution p.Met717Ile. To our knowledge, this variant has not been reported in the literature or in a large population database (gnomAD), indicating this variant is rare. At this time, the clinical significance of this variant is uncertain due to the absence of conclusive functional and genetic evidence.